The following is an entry in ClinVar:

NM_014806.5(RUSC2):c.1159G>T (p.Ala387Ser)

Gene: RUSC2 (RUN and SH3 domain containing 2; plus strand). Cytogenetic location: 9p13.3.
Variant type: single nucleotide variant.
Coding change: c.1159G>T on transcript NM_014806.5 (MANE Select); coding-DNA position 1159, G replaced by T.
Protein change: p.Ala387Ser; replaces alanine 387 with serine.
Molecular consequence: missense variant. On other transcripts: non-coding transcript variant (1), intron variant (1).
Genome position (GRCh38, 1-based): chr9:35,547,680, G>T. VCF-style: chr9-35547680-G-T. GRCh37 (hg19) VCF-style: chr9-35547677-G-T.
Other names: c.1159G>T, p.Ala387Ser (NM_001135999.2); c.-620-7380G>T (NM_001330740.2); short protein forms A387S.
Identifiers: ClinVar variation 1502082 (VCV001502082.5), dbSNP rs1821788136, ClinGen allele CA373331462.

ClinVar aggregate classification (germline): Uncertain significance (1 of 4 stars; one submission).

Allele frequency attached by ClinVar (database versions not stated): gnomAD exomes below 0.00001; TOPMed below 0.00001.
gnomAD v4.1: 1 of 1,614,164 alleles (0.000062%); highest among the groups gnomAD compares: Admixed American, 0.0017%; no homozygotes.

Submission:

Labcorp Genetics (formerly Invitae), Labcorp
Classification: Uncertain significance. Last evaluated: 2022-06-13. Review status: criteria provided, single submitter. Criteria: Invitae Variant Classification Sherloc (09022015). Collection method: clinical testing. Allele origin: germline.
Comment: This sequence change replaces alanine, which is neutral and non-polar, with serine, which is neutral and polar, at codon 387 of the RUSC2 protein (p.Ala387Ser). This variant is not present in population databases (gnomAD no frequency). This variant has not been reported in the literature in individuals affected with RUSC2-related conditions. Algorithms developed to predict the effect of missense changes on protein structure and function are either unavailable or do not agree on the potential impact of this missense change (SIFT: "Deleterious"; PolyPhen-2: "Probably Damaging"; Align-GVGD: "Class C0"). In summary, the available evidence is currently insufficient to determine the role of this variant in disease. Therefore, it has been classified as a Variant of Uncertain Significance.